The following is an entry in ClinVar:

NM_020242.3(KIF15):c.2530C>G (p.Leu844Val)

Gene: KIF15 (kinesin family member 15; plus strand). Cytogenetic location: 3p21.31.
Variant type: single nucleotide variant.
Coding change: c.2530C>G on transcript NM_020242.3 (MANE Select); coding-DNA position 2530, C replaced by G.
Protein change: p.Leu844Val; replaces leucine 844 with valine.
Molecular consequence: missense variant.
Genome position (GRCh38, 1-based): chr3:44,815,057, C>G. VCF-style: chr3-44815057-C-G. GRCh37 (hg19) VCF-style: chr3-44856549-C-G.
Other names: c.2530C>G (NM_020242.2); short protein forms L844V.
Identifiers: ClinVar variation 2653726 (VCV002653726.25), dbSNP rs764788641, ClinGen allele CA2346340.

ClinVar aggregate classification (germline): Uncertain significance. Review status: criteria provided, multiple submitters, no conflicts (2 of 4 stars). 2 submissions from 2 submitters: Uncertain significance (2). Last evaluated 2024-04-08.

Allele frequency attached by ClinVar (database versions not stated): ExAC 0.00007.
gnomAD v4.1: 30 of 1,597,272 alleles (0.0019%); highest among the groups gnomAD compares: South Asian, 0.03%; no homozygotes.

Submissions (2):

Ambry Genetics
Classification: Uncertain significance. Last evaluated: 2024-04-08. Review status: criteria provided, single submitter. Criteria: Ambry Variant Classification Scheme 2023. Collection method: clinical testing. Allele origin: germline.

CeGaT Center for Human Genetics Tuebingen
Classification: Uncertain significance. Last evaluated: 2023-09-01. Review status: criteria provided, single submitter. Criteria: CeGaT Center For Human Genetics Tuebingen Variant Classification Criteria Version 2. Collection method: clinical testing. Allele origin: germline. Affected: yes. Observed: 1 variant allele.
Comment: KIF15: PM2, BP4